The following is an entry in ClinVar:

ClinVar aggregate classification (germline): Uncertain significance. Review status: criteria provided, multiple submitters, no conflicts (2 of 4 stars). 6 submissions from 6 submitters: Uncertain significance (5). 1 of the submissions does not count toward it. Last evaluated 2024-10-22.

Conditions:
Fanconi anemia complementation group E (FANCE). Also called: FANCE-Related Fanconi Anemia. Identifiers: Orphanet 84, MedGen C3160739, MONDO:0010953, OMIM 600901.

Allele frequency attached by ClinVar (database versions not stated): TOPMed 0.00006.

Submissions (6):

Blueprint Genetics
Classification: Uncertain significance. Last evaluated: 2024-10-22. Review status: criteria provided, single submitter. Criteria: ACMG Guidelines, 2015. Collection method: clinical testing. Allele origin: germline.

Labcorp Genetics (formerly Invitae), Labcorp
Classification: Uncertain significance for Fanconi anemia complementation group E. Last evaluated: 2024-10-14. Review status: criteria provided, single submitter. Criteria: Invitae Variant Classification Sherloc (09022015). Collection method: clinical testing. Allele origin: germline.
Comment: This sequence change replaces arginine, which is basic and polar, with tryptophan, which is neutral and slightly polar, at codon 460 of the FANCE protein (p.Arg460Trp). This variant is present in population databases (rs200535245, gnomAD 0.01%). This variant has not been reported in the literature in individuals affected with FANCE-related conditions. ClinVar contains an entry for this variant (Variation ID: 356452). Invitae Evidence Modeling of protein sequence and biophysical properties (such as structural, functional, and spatial information, amino acid conservation, physicochemical variation, residue mobility, and thermodynamic stability) indicates that this missense variant is expected to disrupt FANCE protein function with a positive predictive value of 80%. In summary, the available evidence is currently insufficient to determine the role of this variant in disease. Therefore, it has been classified as a Variant of Uncertain Significance.

Revvity Omics, Revvity
Classification: Uncertain significance for Fanconi anemia complementation group E. Last evaluated: 2023-12-21. Review status: criteria provided, single submitter. Criteria: ACMG Guidelines, 2015. Collection method: clinical testing. Allele origin: germline.

Fulgent Genetics
Classification: Uncertain significance for Fanconi anemia complementation group E. Last evaluated: 2022-05-09. Review status: criteria provided, single submitter. Criteria: ACMG Guidelines, 2015. Collection method: clinical testing. Allele origin: unknown.

Illumina Laboratory Services, Illumina
Classification: Uncertain significance for Fanconi anemia complementation group E. Last evaluated: 2018-01-12. Review status: criteria provided, single submitter. Criteria: ICSL Variant Classification Criteria 13 December 2019. Collection method: clinical testing. Allele origin: germline.

Genetic Services Laboratory, University of Chicago
Classification: Uncertain significance. Last evaluated: 2022-12-19. Review status: no assertion criteria provided. Collection method: clinical testing. Allele origin: germline. Affected: no. Not counted in ClinVar's aggregate classification.
Comment: DNA sequence analysis of the FANCE gene demonstrated a sequence change, c.1378C>T, in exon 8 that results in an amino acid change, p.Arg460Trp. This sequence change does not appear to have been previously described in individuals with FANCE-related disorders. This sequence change has been described in the gnomAD database with a frequency of 0.01 in the South Asian subpopulation (dbSNP rs200535245). The p.Arg460Trp change affects a moderately conserved amino acid residue located in a domain of the FANCE protein that is known to be functional. In-silico pathogenicity prediction tools (SIFT, PolyPhen2, Align GVGD, REVEL) provide contradictory results for the p.Arg460Trp substitution. Due to insufficient evidences and the lack of functional studies, the clinical significance of the p.Arg460Trp change remains unknown at this time.

NM_021922.3(FANCE):c.1378C>T (p.Arg460Trp)

Gene: FANCE (FA complementation group E; plus strand). Cytogenetic location: 6p21.31.
Variant type: single nucleotide variant.
Coding change: c.1378C>T on transcript NM_021922.3 (MANE Select); coding-DNA position 1378, C replaced by T.
Protein change: p.Arg460Trp; replaces arginine 460 with tryptophan.
Molecular consequence: missense variant.
Genome position (GRCh38, 1-based): chr6:35,460,613, C>T. VCF-style: chr6-35460613-C-T. GRCh37 (hg19) VCF-style: chr6-35428390-C-T.
Other names: short protein forms R460W.
Identifiers: ClinVar variation 356452 (VCV000356452.12), dbSNP rs200535245, ClinGen allele CA3771688.